The following is an entry in ClinVar:

NM_005219.5(DIAPH1):c.1717C>A (p.Pro573Thr)

Gene: DIAPH1 (diaphanous related formin 1; minus strand). Cytogenetic location: 5q31.3.
Variant type: single nucleotide variant.
Coding change: c.1717C>A on transcript NM_005219.5 (MANE Select); coding-DNA position 1717, C replaced by A.
Protein change: p.Pro573Thr; replaces proline 573 with threonine.
Molecular consequence: missense variant.
Genome position (GRCh38, 1-based): chr5:141,574,133, G>T on the plus strand (C>A on the coding strand, the complement: DIAPH1 is on the minus strand). VCF-style: chr5-141574133-G-T. GRCh37 (hg19) VCF-style: chr5-140953700-G-T.
Other names: c.1690C>A, p.Pro564Thr (NM_001079812.3); c.1717C>A, p.Pro573Thr (NM_001314007.2); short protein forms P573T, P564T.
Identifiers: ClinVar variation 2928582 (VCV002928582.3), dbSNP rs2513742589, ClinGen allele CA361521855.

ClinVar aggregate classification (germline): Uncertain significance (1 of 4 stars; one submission).

Conditions:
Autosomal dominant nonsyndromic hearing loss 1. Also called: KONIGSMARK SYNDROME; DEAFNESS, AUTOSOMAL DOMINANT 1, WITH OR WITHOUT THROMBOCYTOPENIA. Identifiers: Orphanet 90635, MedGen C1852282, MONDO:0007424, OMIM 124900.
Progressive microcephaly-seizures-cortical blindness-developmental delay syndrome. Also called: Seizures, cortical blindness, and microcephaly syndrome. Identifiers: Orphanet 477814, MedGen C5567650, MONDO:0014714, OMIM 616632.

gnomAD v4.1: 12 of 1,613,996 alleles (0.00074%); highest among the groups gnomAD compares: Non-Finnish European, 0.001%; no homozygotes.

Submission:

Labcorp Genetics (formerly Invitae), Labcorp
Classification: Uncertain significance for Progressive microcephaly-seizures-cortical blindness-developmental delay syndrome; Autosomal dominant nonsyndromic hearing loss 1. Last evaluated: 2024-10-03. Review status: criteria provided, single submitter. Criteria: Invitae Variant Classification Sherloc (09022015). Collection method: clinical testing. Allele origin: germline.
Comment: This sequence change replaces proline, which is neutral and non-polar, with threonine, which is neutral and polar, at codon 573 of the DIAPH1 protein (p.Pro573Thr). This variant is not present in population databases (gnomAD no frequency). This variant has not been reported in the literature in individuals affected with DIAPH1-related conditions. Experimental studies and prediction algorithms are not available or were not evaluated, and the functional significance of this variant is currently unknown. Algorithms developed to predict the effect of sequence changes on RNA splicing suggest that this variant may create or strengthen a splice site. In summary, the available evidence is currently insufficient to determine the role of this variant in disease. Therefore, it has been classified as a Variant of Uncertain Significance.